The following is an entry in ClinVar:

ClinVar aggregate classification (germline): Uncertain significance. Review status: criteria provided, single submitter (1 of 4 stars). 2 submissions from 2 submitters: Uncertain significance (1). 1 of the submissions does not count toward it. Last evaluated 2024-10-10.

Conditions:
FOCAD-related disorder. Also called: FOCAD-related condition.

gnomAD v4.1: 12 of 1,613,792 alleles (0.00074%); highest among the groups gnomAD compares: African/African-American, 0.013%; no homozygotes.

Submissions (2):

Labcorp Genetics (formerly Invitae), Labcorp
Classification: Uncertain significance. Last evaluated: 2024-10-10. Review status: criteria provided, single submitter. Criteria: Invitae Variant Classification Sherloc (09022015). Collection method: clinical testing. Allele origin: germline.
Comment: This sequence change affects codon 1558 of the FOCAD mRNA. It is a 'silent' change, meaning that it does not change the encoded amino acid sequence of the FOCAD protein. This variant is present in population databases (rs771235699, gnomAD 0.01%). This variant has not been reported in the literature in individuals affected with FOCAD-related conditions. Experimental studies and prediction algorithms are not available or were not evaluated, and the effect of this variant on mRNA splicing is currently unknown. In summary, the available evidence is currently insufficient to determine the role of this variant in disease. Therefore, it has been classified as a Variant of Uncertain Significance.

PreventionGenetics, part of Exact Sciences
Classification: Likely benign for FOCAD-related condition. Last evaluated: 2024-06-22. Review status: no assertion criteria provided. Collection method: clinical testing. Allele origin: germline. Not counted in ClinVar's aggregate classification.
Comment: This variant is classified as likely benign based on ACMG/AMP sequence variant interpretation guidelines (Richards et al. 2015 PMID: 25741868, with internal and published modifications).

NM_001375567.1(FOCAD):c.4674A>G (p.Lys1558=)

Gene: FOCAD (focadhesin; plus strand). Cytogenetic location: 9p21.3.
Variant type: single nucleotide variant.
Coding change: c.4674A>G on transcript NM_001375567.1 (MANE Select); coding-DNA position 4674, A replaced by G.
Protein change: p.Lys1558=; no amino-acid change (lysine 1558 retained).
Molecular consequence: synonymous variant.
Genome position (GRCh38, 1-based): chr9:20,982,392, A>G. VCF-style: chr9-20982392-A-G. GRCh37 (hg19) VCF-style: chr9-20982391-A-G.
Other names: c.4569A>G, p.Lys1523= (NM_001375568.1, NM_001375570.1); c.4674A>G, p.Lys1558= (NM_017794.5).
Identifiers: ClinVar variation 3350508 (VCV003350508.3).